The following is an entry in ClinVar:

ClinVar aggregate classification (germline): Uncertain significance. Review status: criteria provided, multiple submitters, no conflicts (2 of 4 stars). 2 submissions from 2 submitters: Uncertain significance (2). Last evaluated 2022-04-30.

Allele frequency attached by ClinVar (database versions not stated): ExAC 0.00001; gnomAD exomes 0.00002 and 0.00005; gnomAD 0.00004; TOPMed 0.00004.
gnomAD v4.1: 73 of 1,613,830 alleles (0.0045%); highest among the groups gnomAD compares: Non-Finnish European, 0.0058%; no homozygotes.

Submissions (2):

Labcorp Genetics (formerly Invitae), Labcorp
Classification: Uncertain significance. Last evaluated: 2022-04-30. Review status: criteria provided, single submitter. Criteria: Invitae Variant Classification Sherloc (09022015). Collection method: clinical testing. Allele origin: germline.
Comment: This sequence change replaces threonine, which is neutral and polar, with methionine, which is neutral and non-polar, at codon 609 of the TRAPPC9 protein (p.Thr609Met). This variant is present in population databases (rs756067704, gnomAD 0.006%). This variant has not been reported in the literature in individuals affected with TRAPPC9-related conditions. Algorithms developed to predict the effect of missense changes on protein structure and function are either unavailable or do not agree on the potential impact of this missense change (SIFT: "Not Available"; PolyPhen-2: "Probably Damaging"; Align-GVGD: "Not Available"). In summary, the available evidence is currently insufficient to determine the role of this variant in disease. Therefore, it has been classified as a Variant of Uncertain Significance.

GeneDx
Classification: Uncertain significance. Last evaluated: 2022-01-31. Review status: criteria provided, single submitter. Criteria: GeneDx Variant Classification Process June 2021. Collection method: clinical testing. Allele origin: germline. Affected: yes.
Comment: Not observed at significant frequency in large population cohorts (gnomAD); In silico analysis supports that this missense variant has a deleterious effect on protein structure/function; This variant is associated with the following publications: (PMID: 27502037, 30152084)

NM_001160372.4(TRAPPC9):c.1532C>T (p.Thr511Met)

Gene: TRAPPC9 (trafficking protein particle complex subunit 9; minus strand). Cytogenetic location: 8q24.3.
Variant type: single nucleotide variant.
Coding change: c.1532C>T on transcript NM_001160372.4 (MANE Select); coding-DNA position 1532, C replaced by T.
Protein change: p.Thr511Met; replaces threonine 511 with methionine.
Molecular consequence: missense variant. On other transcripts: non-coding transcript variant (1).
Genome position (GRCh38, 1-based): chr8:140,311,338, G>A on the plus strand (C>T on the coding strand, the complement: TRAPPC9 is on the minus strand). VCF-style: chr8-140311338-G-A. GRCh37 (hg19) VCF-style: chr8-141321437-G-A.
Other names: c.1505C>T, p.Thr502Met (NM_001321646.2); c.1553C>T, p.Thr518Met (NM_001374682.1); c.1532C>T, p.Thr511Met (NM_001374683.1, NM_031466.8); c.1388C>T, p.Thr463Met (NM_001374684.1); short protein forms T463M, T502M, T511M, T518M.
Identifiers: ClinVar variation 1699652 (VCV001699652.4), dbSNP rs756067704, ClinGen allele CA4893418.